The following is an entry in ClinVar:

NM_004168.4(SDHA):c.1842G>A (p.Gln614=)

Gene: SDHA (succinate dehydrogenase complex flavoprotein subunit A; plus strand). Cytogenetic location: 5p15.33.
Variant type: single nucleotide variant.
Coding change: c.1842G>A on transcript NM_004168.4 (MANE Select); coding-DNA position 1842, G replaced by A.
Protein change: p.Gln614=; no amino-acid change (glutamine 614 retained).
Molecular consequence: synonymous variant.
Genome position (GRCh38, 1-based): chr5:254,440, G>A. VCF-style: chr5-254440-G-A. GRCh37 (hg19) VCF-style: chr5-254555-G-A.
Other names: c.1698G>A, p.Gln566= (NM_001294332.2); c.1599G>A, p.Gln533= (NM_001330758.2); c.1842G>A (NM_004168.2).
Identifiers: ClinVar variation 1082371 (VCV001082371.15), dbSNP rs2126641413, ClinGen allele CA359001900.

ClinVar aggregate classification (germline): Benign/Likely benign. Review status: criteria provided, multiple submitters, no conflicts (2 of 4 stars). 3 submissions from 3 submitters: Benign (1); Likely benign (2). Last evaluated 2025-03-11.

Conditions:
Pheochromocytoma/paraganglioma syndrome 5. Also called: Paragangliomas 5; SDHA-Related Hereditary Paraganglioma-Pheochromocytoma Syndrome. Identifiers: Orphanet 29072, MedGen C3279992, MONDO:0013602, OMIM 614165.
Mitochondrial complex II deficiency, nuclear type 1. Also called: SUCCINATE CoQ REDUCTASE DEFICIENCY. Identifiers: Orphanet 3208, MedGen C5700310, MONDO:0100294, OMIM 252011.
Hereditary cancer-predisposing syndrome. Also called: Tumor predisposition; Hereditary neoplastic syndrome; Neoplastic Syndromes, Hereditary; Hereditary Cancer Syndrome. Identifiers: Orphanet 140162, MedGen C0027672, MeSH D009386, MONDO:0015356.

Submissions (3):

Myriad Genetics, Inc.
Classification: Benign for Pheochromocytoma/paraganglioma syndrome 5. Last evaluated: 2025-03-11. Review status: criteria provided, single submitter. Criteria: Myriad Autosomal Dominant, Autosomal Recessive and X-Linked Classification Criteria (2023). Collection method: clinical testing. Allele origin: unknown.
Comment: This variant is considered benign. This variant is a silent/synonymous amino acid change and it is not expected to impact splicing.

Ambry Genetics
Classification: Likely benign for Hereditary cancer-predisposing syndrome. Last evaluated: 2023-11-16. Review status: criteria provided, single submitter. Criteria: Ambry Variant Classification Scheme 2023. Collection method: clinical testing. Allele origin: germline.

Labcorp Genetics (formerly Invitae), Labcorp
Classification: Likely benign for Pheochromocytoma/paraganglioma syndrome 5; Mitochondrial complex II deficiency, nuclear type 1. Last evaluated: 2020-02-26. Review status: criteria provided, single submitter. Criteria: Invitae Variant Classification Sherloc (09022015). Collection method: clinical testing. Allele origin: germline.